The following is an entry in ClinVar:

ClinVar aggregate classification (germline): Benign. Review status: criteria provided, multiple submitters, no conflicts (2 of 4 stars). 6 submissions from 6 submitters: Benign (6). Last evaluated 2024-07-31.

Conditions:
TH-deficient dopa-responsive dystonia. Also called: DYT-TH; Segawa syndrome, autosomal recessive; Tyrosine Hydroxylase-Deficient Dopa-Responsive Dystonia. Identifiers: Orphanet 101150, MedGen C2673535, MONDO:0011551, OMIM 605407.

Allele frequency attached by ClinVar (database versions not stated): ExAC 0.71949; ESP Exome Variant Server 0.60247; gnomAD 0.62210 and 0.63583; TOPMed 0.62987; gnomAD exomes 0.68475 and 0.72091; 1000 Genomes Project 30x 0.70003; 1000 Genomes Project 0.70567.

Submissions (6):

Unidad de Genómica Garrahan, Hospital de Pediatría Garrahan
Classification: Benign. Last evaluated: 2024-07-31. Review status: criteria provided, single submitter. Criteria: ACMG Guidelines, 2015. Collection method: clinical testing. Allele origin: germline. Affected: no. Observed: 86 variant alleles.
Comment: This variant is classified as Benign based on local population frequency. This variant was detected in 92% of patients studied in a panel designed for Epileptic and Developmental Encephalopathy, Progressive Myoclonus Epilepsy and Abnormal Movements and Neurodegeneration with brain iron accumulation. Number of patients: 86. Only high quality variants are reported.

Mayo Clinic Laboratories, Mayo Clinic
Classification: Benign. Last evaluated: 2022-04-14. Review status: criteria provided, single submitter. Criteria: ACMG Guidelines, 2015. Collection method: clinical testing. Allele origin: germline. Observed: 29 variant alleles.

Genome-Nilou Lab
Classification: Benign for TH-deficient dopa-responsive dystonia. Last evaluated: 2021-07-10. Review status: criteria provided, single submitter. Criteria: ACMG Guidelines, 2015. Collection method: clinical testing. Allele origin: germline. Affected: no.

GeneDx
Classification: Benign. Last evaluated: 2015-03-03. Review status: criteria provided, single submitter. Criteria: GeneDx Variant Classification Process June 2021. Collection method: clinical testing. Allele origin: germline. Affected: yes.

Breakthrough Genomics
Classification: Benign. Review status: criteria provided, single submitter. Criteria: ACMG Guidelines, 2015. Collection method: not provided. Allele origin: germline. Inheritance: Autosomal recessive inheritance. Affected: yes.

PreventionGenetics, part of Exact Sciences
Classification: Benign. Review status: criteria provided, single submitter. Criteria: ACMG Guidelines, 2015. Collection method: clinical testing. Allele origin: germline.

NM_000360.4(TH):c.577-22C>T

Gene: TH (tyrosine hydroxylase; minus strand). Cytogenetic location: 11p15.5.
Variant type: single nucleotide variant.
Coding change: c.577-22C>T on transcript NM_000360.4 (MANE Select); 22 bases into the intron before coding-DNA position 577, C replaced by T.
Molecular consequence: intron variant.
Genome position (GRCh38, 1-based): chr11:2,167,955, G>A on the plus strand (C>T on the coding strand, the complement: TH is on the minus strand). VCF-style: chr11-2167955-G-A. GRCh37 (hg19) VCF-style: chr11-2189185-G-A.
Other names: p.?; c.658-22C>T (NM_199293.3); c.670-22C>T (NM_199292.3).
Identifiers: ClinVar variation 263257 (VCV000263257.10), dbSNP rs4074905, ClinGen allele CA5818593.
Genomic context (GRCh38, chr11:2,167,955, plus strand): 5'-CAGCTTCCTGCGCTGGCGGTACACCTGGTCCGAGAAGCCCTGAGGGCAGAGGGGATGCAC[G>A]GGTCAGGAGGCTGTGCTGGGGTGGGGGCACAGGCCACGGAGGCTCCTGGAGCCGACAGAC-3'